The following is an entry in ClinVar:

NM_015512.5(DNAH1):c.12355_12356delinsCC (p.Phe4119Pro)

Gene: DNAH1 (dynein axonemal heavy chain 1; plus strand). Cytogenetic location: 3p21.1.
Variant type: Indel.
Coding change: c.12355_12356delinsCC on transcript NM_015512.5 (MANE Select); coding-DNA positions 12355 to 12356, TT replaced by CC.
Protein change: p.Phe4119Pro; replaces phenylalanine 4119 with proline.
Molecular consequence: missense variant.
Genome position (GRCh38, 1-based): chr3:52,399,115-52,399,116, TT replaced by CC. VCF-style: chr3-52399115-TT-CC. GRCh37 (hg19) VCF-style: chr3-52433131-TT-CC.
Other names: short protein forms F4119P.
Identifiers: ClinVar variation 849285 (VCV000849285.5), dbSNP rs1704782639, ClinGen allele CA916081431.

ClinVar aggregate classification (germline): Uncertain significance (1 of 4 stars; one submission).

Conditions:
Ciliary dyskinesia, primary, 37 (CILD37). Also called: CILIARY DYSKINESIA, PRIMARY, 37, WITH OR WITHOUT SITUS INVERSUS. Identifiers: MedGen C4539798, MONDO:0033204, OMIM 617577.
Spermatogenic failure 18. Identifiers: MedGen C4539783, MONDO:0054615, OMIM 617576.

Submission:

Labcorp Genetics (formerly Invitae), Labcorp
Classification: Uncertain significance for Ciliary dyskinesia, primary, 37; Spermatogenic failure 18. Last evaluated: 2019-02-14. Review status: criteria provided, single submitter. Criteria: Invitae Variant Classification Sherloc (09022015). Collection method: clinical testing. Allele origin: germline.
Comment: In summary, the available evidence is currently insufficient to determine the role of this variant in disease. Therefore, it has been classified as a Variant of Uncertain Significance. Algorithms developed to predict the effect of missense changes on protein structure and function are either unavailable or do not agree on the potential impact of this missense change (SIFT: "Deleterious"; PolyPhen-2: "Probably Damaging"; Align-GVGD: "Class C0"). This variant has not been reported in the literature in individuals with DNAH1-related conditions. This sequence change replaces phenylalanine with proline at codon 4119 of the DNAH1 protein (p.Phe4119Pro). The phenylalanine residue is highly conserved and there is a moderate physicochemical difference between phenylalanine and proline. This variant is not present in population databases (ExAC no frequency).